The following is an entry in ClinVar:

ClinVar aggregate classification (germline): Likely benign (1 of 4 stars; one submission).

Conditions:
TUB-related disorder. Also called: TUB-related condition.

Submission:

PreventionGenetics, part of Exact Sciences
Classification: Likely benign for TUB-related condition. Last evaluated: 2025-06-02. Review status: criteria provided, single submitter. Criteria: ACMG Guidelines, 2015. Collection method: clinical testing. Allele origin: germline.
Comment: This variant is classified as likely benign based on ACMG/AMP sequence variant interpretation guidelines (Richards et al. 2015 PMID: 25741868, with internal and published modifications).

NM_177972.3(TUB):c.9C>G (p.Ser3=)

Gene: TUB (TUB bipartite transcription factor; plus strand). Cytogenetic location: 11p15.4.
Variant type: single nucleotide variant.
Coding change: c.9C>G on transcript NM_177972.3 (MANE Select); coding-DNA position 9, C replaced by G.
Protein change: p.Ser3=; no amino-acid change (serine 3 retained).
Molecular consequence: synonymous variant. On other transcripts: intron variant (5).
Genome position (GRCh38, 1-based): chr11:8,081,519, C>G. VCF-style: chr11-8081519-C-G. GRCh37 (hg19) VCF-style: chr11-8103066-C-G.
Other names: c.9C>G, p.Ser3= (NM_001440541.1); c.57-8091C>G (NM_001440538.1, NM_001440539.1, NM_001440540.1 and 1 more transcripts); c.204-8091C>G (NM_003320.5).
Identifiers: ClinVar variation 4997507 (VCV004997507.1).